The following is an entry in ClinVar:

NM_000257.4(MYH7):c.5116C>G (p.Leu1706Val)

Genes: MHRT (myosin heavy chain associated RNA transcript; plus strand), MYH7 (myosin heavy chain 7; minus strand), LOC126861897 (BRD4-independent group 4 enhancer GRCh37_chr14:23884455-23885654; plus strand). Cytogenetic location: 14q11.2.
Variant type: single nucleotide variant.
Coding change: c.5116C>G on transcript NM_000257.4 (MANE Select); coding-DNA position 5116, C replaced by G.
Protein change: p.Leu1706Val; replaces leucine 1706 with valine.
Molecular consequence: missense variant. On other transcripts: non-coding transcript variant (1).
Genome position (GRCh38, 1-based): chr14:23,415,670, G>C on the plus strand (C>G on the coding strand, the complement: MYH7 is on the minus strand). VCF-style: chr14-23415670-G-C. GRCh37 (hg19) VCF-style: chr14-23884879-G-C.
Other names: c.5116C>G, p.Leu1706Val (NM_001407004.1); short protein forms L1706V.
Identifiers: ClinVar variation 3893693 (VCV003893693.1).
Genomic context (GRCh38, chr14:23,415,670, plus strand): 5'-GAGCAGGGGAGCTGCTCACCTGGGAATGCAGCAGCTGCACCCGCTCACTAGTCTCAATCA[G>C]CTCCTGCTCCGCCAGCTTCCGGGACCGCTCTGTCTGCTCCACCACGGCACGCAACTCCTC-3'
Protein context (NP_000248.2, residues 1696-1716): ERSRKLAEQE[Leu1706Val]IETSERVQLL

ClinVar aggregate classification (germline): Uncertain significance (1 of 4 stars; one submission).

Conditions:
Cardiomyopathy (CMYO). Also called: Cardiomyopathies. Identifiers: Orphanet 167848, MedGen C0878544, MONDO:0004994, HP:0001638. Inheritance: Various modes of inheritance.

Submission:

Color Diagnostics, LLC DBA Color Health
Classification: Uncertain significance for Cardiomyopathy. Last evaluated: 2024-03-11. Review status: criteria provided, single submitter. Criteria: ACMG Guidelines, 2015. Collection method: clinical testing. Allele origin: germline.
Comment: This missense variant replaces leucine with valine at codon 1706 of the MYH7 protein. Computational prediction tools indicate that this variant's impact on protein structure and function is inconclusive. To our knowledge, functional studies have not been reported for this variant. This variant has been reported in one individual affected with arrhythmogenic cardiomyopathy (PMID: 30385303); this individual also carried a pathogenic variant in the PKP2 gene that could explain the observed phenotype. This variant has not been identified in the general population by the Genome Aggregation Database (gnomAD). The available evidence is insufficient to determine the role of this variant in disease conclusively. Therefore, this variant is classified as a Variant of Uncertain Significance.

Literature cited by the submitters: PubMed 30385303.